The following is an entry in ClinVar:

ClinVar aggregate classification (germline): Likely benign (1 of 4 stars; one submission).

Allele frequency attached by ClinVar (database versions not stated): gnomAD exomes 0.00006; TOPMed 0.00008; ExAC 0.00011; gnomAD 0.00013; ESP Exome Variant Server 0.00016.
gnomAD v4.1: 109 of 1,612,686 alleles (0.0068%); highest among the groups gnomAD compares: East Asian, 0.069%; 2 homozygotes.

Submission:

CeGaT Center for Human Genetics Tuebingen
Classification: Likely benign. Last evaluated: 2023-02-01. Review status: criteria provided, single submitter. Criteria: CeGaT Center For Human Genetics Tuebingen Variant Classification Criteria Version 2. Collection method: clinical testing. Allele origin: germline. Affected: yes. Observed: 1 variant allele.
Comment: PLCH2: BP4, BP7

NM_014638.4(PLCH2):c.2484G>A (p.Pro828=)

Genes: PLCH2 (phospholipase C eta 2; plus strand), LOC126805580 (CDK7 strongly-dependent group 2 enhancer GRCh37_chr1:2430511-2431710; plus strand). Cytogenetic location: 1p36.32.
Variant type: single nucleotide variant.
Coding change: c.2484G>A on transcript NM_014638.4 (MANE Select); coding-DNA position 2484, G replaced by A.
Protein change: p.Pro828=; no amino-acid change (proline 828 retained).
Molecular consequence: synonymous variant.
Genome position (GRCh38, 1-based): chr1:2,499,133, G>A. VCF-style: chr1-2499133-G-A. GRCh37 (hg19) VCF-style: chr1-2430572-G-A.
Other names: c.2403G>A, p.Pro801= (NM_001303012.2); c.2544G>A, p.Pro848= (NM_001303013.1).
Identifiers: ClinVar variation 2638081 (VCV002638081.24), dbSNP rs376684941, ClinGen allele CA539323.
Genomic context (GRCh38, chr1:2,499,133, plus strand): 5'-TGCTTCCCCAGGGTTCAACCCCACCTGGGAGGAGACCCTGGTTTTCATGGTGCACATGCC[G>A]GAGATCGCGCTGGTCCGCTTCCTCGTCTGGGACCACGATCCCATCGGGCGTGACTTCATT-3'
Protein context (NP_055453.2, residues 818-838): EETLVFMVHM[Pro828=]EIALVRFLVW